The following is an entry in ClinVar:

NM_001276345.2(TNNT2):c.333G>T (p.Glu111Asp)

Gene: TNNT2 (troponin T2, cardiac type; minus strand). Cytogenetic location: 1q32.1.
Variant type: single nucleotide variant.
Coding change: c.333G>T on transcript NM_001276345.2 (MANE Select); coding-DNA position 333, G replaced by T.
Protein change: p.Glu111Asp; replaces glutamic acid 111 with aspartic acid.
Molecular consequence: missense variant. On other transcripts: intron variant (1).
Genome position (GRCh38, 1-based): chr1:201,365,269, C>A on the plus strand (G>T on the coding strand, the complement: TNNT2 is on the minus strand). VCF-style: chr1-201365269-C-A. GRCh37 (hg19) VCF-style: chr1-201334397-C-A.
Other names: c.333G>T, p.Glu111Asp (NM_000364.4, NM_001406723.1); c.303G>T, p.Glu101Asp (NM_001001430.3, NM_001001431.3, NM_001276347.2 and 3 more transcripts); c.288G>T, p.Glu96Asp (NM_001001432.3, NM_001406728.1); c.300G>T, p.Glu100Asp (NM_001406725.1); c.291+341G>T (NM_001276346.2); short protein forms E111D, E96D, E100D, E101D.
Identifiers: ClinVar variation 4789267 (VCV004789267.1).

ClinVar aggregate classification (germline): Uncertain significance (1 of 4 stars; one submission).

Conditions:
Hypertrophic cardiomyopathy 2. Also called: TNNT2-Related Familial Hypertrophic Cardiomyopathy. Identifiers: MedGen C1861864, MONDO:0007266, OMIM 115195.
Dilated cardiomyopathy 1D. Identifiers: Orphanet 154, Orphanet 54260, MedGen C1832243, MONDO:0011095, OMIM 601494.
Cardiomyopathy, familial restrictive, 3. Identifiers: Orphanet 75249, MedGen C2676271, MONDO:0012900, OMIM 612422.

Submission:

Labcorp Genetics (formerly Invitae), Labcorp
Classification: Uncertain significance for Cardiomyopathy, familial restrictive, 3; Hypertrophic cardiomyopathy 2; Dilated cardiomyopathy 1D. Last evaluated: 2025-02-12. Review status: criteria provided, single submitter. Criteria: Invitae Variant Classification Sherloc (09022015). Collection method: clinical testing. Allele origin: germline.
Comment: This sequence change replaces glutamic acid, which is acidic and polar, with aspartic acid, which is acidic and polar, at codon 101 of the TNNT2 protein (p.Glu101Asp). This variant is not present in population databases (gnomAD no frequency). This variant has not been reported in the literature in individuals affected with TNNT2-related conditions. Invitae Evidence Modeling of protein sequence and biophysical properties (such as structural, functional, and spatial information, amino acid conservation, physicochemical variation, residue mobility, and thermodynamic stability) indicates that this missense variant is not expected to disrupt TNNT2 protein function with a negative predictive value of 80%. This variant disrupts the p.Glu101 amino acid residue in TNNT2. Other variant(s) that disrupt this residue have been determined to be pathogenic (internal data). This suggests that this residue is clinically significant, and that variants that disrupt this residue are likely to be disease-causing. In summary, the available evidence is currently insufficient to determine the role of this variant in disease. Therefore, it has been classified as a Variant of Uncertain Significance.